The following is an entry in ClinVar:

ClinVar aggregate classification (germline): Uncertain significance (1 of 4 stars; one submission).

Allele frequency attached by ClinVar (database versions not stated): gnomAD exomes below 0.00001.
gnomAD v4.1: 1 of 1,209,460 alleles (0.000083%); highest among the groups gnomAD compares: Admixed American, 0.0022%; no homozygotes.

Submission:

GeneDx
Classification: Uncertain significance. Last evaluated: 2023-01-19. Review status: criteria provided, single submitter. Criteria: GeneDx Variant Classification Process June 2021. Collection method: clinical testing. Allele origin: germline. Affected: yes.
Comment: Not observed at significant frequency in large population cohorts (gnomAD); In silico analysis supports that this missense variant does not alter protein structure/function; Has not been previously published as pathogenic or benign to our knowledge

NM_001081550.2(THOC2):c.4229G>A (p.Arg1410His)

Gene: THOC2 (THO complex subunit 2; minus strand). Cytogenetic location: Xq25.
Variant type: single nucleotide variant.
Coding change: c.4229G>A on transcript NM_001081550.2 (MANE Select); coding-DNA position 4229, G replaced by A.
Protein change: p.Arg1410His; replaces arginine 1410 with histidine.
Molecular consequence: missense variant.
Genome position (GRCh38, 1-based): chrX:123,620,953, C>T on the plus strand (G>A on the coding strand, the complement: THOC2 is on the minus strand). VCF-style: chrX-123620953-C-T. GRCh37 (hg19) VCF-style: chrX-122754804-C-T.
Other names: short protein forms R1410H.
Identifiers: ClinVar variation 2573689 (VCV002573689.1), dbSNP rs866352621, ClinGen allele CA414262215.